The following is an entry in ClinVar:

NM_001365536.1(SCN9A):c.4537A>G (p.Thr1513Ala)

Genes: SCN9A (sodium voltage-gated channel alpha subunit 9; minus strand), SCN1A-AS1 (SCN1A and SCN9A antisense RNA 1; plus strand). Cytogenetic location: 2q24.3.
Variant type: single nucleotide variant.
Coding change: c.4537A>G on transcript NM_001365536.1 (MANE Select); coding-DNA position 4537, A replaced by G.
Protein change: p.Thr1513Ala; replaces threonine 1513 with alanine.
Molecular consequence: missense variant.
Genome position (GRCh38, 1-based): chr2:166,204,192, T>C on the plus strand (A>G on the coding strand, the complement: SCN9A is on the minus strand). VCF-style: chr2-166204192-T-C. GRCh37 (hg19) VCF-style: chr2-167060702-T-C.
Other names: c.4504A>G, p.Thr1502Ala (NM_002977.4); short protein forms T1513A, T1502A.
Identifiers: ClinVar variation 1390199 (VCV001390199.8), dbSNP rs2106346527, ClinGen allele CA349057989.

ClinVar aggregate classification (germline): Uncertain significance. Review status: criteria provided, multiple submitters, no conflicts (2 of 4 stars). 3 submissions from 3 submitters: Uncertain significance (3). Last evaluated 2026-02-27.

Conditions:
Inborn genetic diseases. Identifiers: MedGen C0950123, MeSH D030342.
Generalized epilepsy with febrile seizures plus, type 7 (GEFSP7). Also called: GEFS+, TYPE 7. Identifiers: Orphanet 36387, MedGen C2751778, MONDO:0013470, OMIM 613863.
Neuropathy, hereditary sensory and autonomic, type 2A (HSAN2A). Also called: ACROOSTEOLYSIS, GIACCAI TYPE; ACROOSTEOLYSIS, NEUROGENIC; MORVAN DISEASE; NEUROPATHY, CONGENITAL SENSORY; NEUROPATHY, HEREDITARY SENSORY RADICULAR, AUTOSOMAL RECESSIVE; NEUROPATHY, HEREDITARY SENSORY, TYPE IIA. Identifiers: Orphanet 970, MedGen C2752089, MONDO:0024309, OMIM 201300.

Submissions (3):

Ambry Genetics
Classification: Uncertain significance for Inborn genetic diseases. Last evaluated: 2026-02-27. Review status: criteria provided, single submitter. Criteria: Ambry Variant Classification Scheme 2023. Collection method: clinical testing. Allele origin: germline.

Women's Health and Genetics/Laboratory Corporation of America, LabCorp
Classification: Uncertain significance. Last evaluated: 2026-02-03. Review status: criteria provided, single submitter. Criteria: LabCorp Variant Classification Summary - May 2015. Collection method: clinical testing. Allele origin: germline.
Comment: Variant summary: SCN9A c.4504A>G (p.Thr1502Ala) results in a non-conservative amino acid change in the encoded protein sequence. Algorithms developed to predict the effect of missense changes on protein structure and function all suggest that this variant is likely to be disruptive. The variant was absent in 248514 control chromosomes. The available data on variant occurrences in the general population are insufficient to allow any conclusion about variant significance. To our knowledge, no occurrence of c.4504A>G in individuals affected with SCN9A-related conditions and no experimental evidence demonstrating its impact on protein function have been reported. ClinVar contains an entry for this variant (Variation ID: 1390199). Based on the evidence outlined above, the variant was classified as uncertain significance.

Labcorp Genetics (formerly Invitae), Labcorp
Classification: Uncertain significance for Neuropathy, hereditary sensory and autonomic, type 2A; Generalized epilepsy with febrile seizures plus, type 7. Last evaluated: 2024-01-16. Review status: criteria provided, single submitter. Criteria: Invitae Variant Classification Sherloc (09022015). Collection method: clinical testing. Allele origin: germline.
Comment: This sequence change replaces threonine, which is neutral and polar, with alanine, which is neutral and non-polar, at codon 1502 of the SCN9A protein (p.Thr1502Ala). This variant is not present in population databases (gnomAD no frequency). This variant has not been reported in the literature in individuals affected with SCN9A-related conditions. ClinVar contains an entry for this variant (Variation ID: 1390199). Advanced modeling of protein sequence and biophysical properties (such as structural, functional, and spatial information, amino acid conservation, physicochemical variation, residue mobility, and thermodynamic stability) performed at Invitae indicates that this missense variant is not expected to disrupt SCN9A protein function with a negative predictive value of 95%. In summary, the available evidence is currently insufficient to determine the role of this variant in disease. Therefore, it has been classified as a Variant of Uncertain Significance.